The following is an entry in ClinVar:

NM_006531.5(IFT88):c.80A>C (p.Tyr27Ser)

Gene: IFT88 (intraflagellar transport 88; plus strand). Cytogenetic location: 13q12.11.
Variant type: single nucleotide variant.
Coding change: c.80A>C on transcript NM_006531.5 (MANE Select); coding-DNA position 80, A replaced by C.
Protein change: p.Tyr27Ser; replaces tyrosine 27 with serine.
Molecular consequence: missense variant. On other transcripts: 5 prime UTR variant (1), non-coding transcript variant (5).
Genome position (GRCh38, 1-based): chr13:20,574,465, A>C. VCF-style: chr13-20574465-A-C. GRCh37 (hg19) VCF-style: chr13-21148604-A-C.
Other names: c.80A>C, p.Tyr27Ser (NM_001318491.2, NM_001353568.2, NM_001353571.2 and 5 more transcripts); c.107A>C, p.Tyr36Ser (NM_001318493.2, NM_001353565.2, NM_001353566.2 and 6 more transcripts); c.-484A>C (NM_001353579.2); short protein forms Y36S, Y27S.
Identifiers: ClinVar variation 2135675 (VCV002135675.4), dbSNP rs750818479, ClinGen allele CA6904927.

ClinVar aggregate classification (germline): Uncertain significance (1 of 4 stars; one submission).

Allele frequency attached by ClinVar (database versions not stated): gnomAD 0.00001.
gnomAD v4.1: 8 of 1,590,664 alleles (0.0005%); highest among the groups gnomAD compares: South Asian, 0.0033%; no homozygotes.

Submission:

Labcorp Genetics (formerly Invitae), Labcorp
Classification: Uncertain significance. Last evaluated: 2022-10-13. Review status: criteria provided, single submitter. Criteria: Invitae Variant Classification Sherloc (09022015). Collection method: clinical testing. Allele origin: germline.
Comment: In summary, the available evidence is currently insufficient to determine the role of this variant in disease. Therefore, it has been classified as a Variant of Uncertain Significance. Algorithms developed to predict the effect of missense changes on protein structure and function are either unavailable or do not agree on the potential impact of this missense change (SIFT: "Not Available"; PolyPhen-2: "Benign"; Align-GVGD: "Not Available"). This variant has not been reported in the literature in individuals affected with IFT88-related conditions. This variant is present in population databases (rs750818479, gnomAD 0.01%). This sequence change replaces tyrosine, which is neutral and polar, with serine, which is neutral and polar, at codon 36 of the IFT88 protein (p.Tyr36Ser).